The following is an entry in ClinVar:

NM_001023.4(RPS20):c.46G>T (p.Ala16Ser)

Gene: RPS20 (ribosomal protein S20; minus strand). Cytogenetic location: 8q12.1.
Variant type: single nucleotide variant.
Coding change: c.46G>T on transcript NM_001023.4 (MANE Select); coding-DNA position 46, G replaced by T.
Protein change: p.Ala16Ser; replaces alanine 16 with serine.
Molecular consequence: missense variant.
Genome position (GRCh38, 1-based): chr8:56,074,117, C>A on the plus strand (G>T on the coding strand, the complement: RPS20 is on the minus strand). VCF-style: chr8-56074117-C-A. GRCh37 (hg19) VCF-style: chr8-56986676-C-A.
Other names: c.46G>T, p.Ala16Ser (NM_001146227.3); short protein forms A16S.
Identifiers: ClinVar variation 3315286 (VCV003315286.1).

ClinVar aggregate classification (germline): Uncertain significance (1 of 4 stars; one submission).

Submission:

Ambry Genetics
Classification: Uncertain significance. Last evaluated: 2024-06-15. Review status: criteria provided, single submitter. Criteria: Ambry Variant Classification Scheme 2023. Collection method: clinical testing. Allele origin: germline.
Comment: The p.A16S variant (also known as c.46G>T), located in coding exon 2 of the RPS20 gene, results from a G to T substitution at nucleotide position 46. The alanine at codon 16 is replaced by serine, an amino acid with similar properties. This amino acid position is conserved. In addition, this alteration is predicted to be tolerated by in silico analysis. Based on the available evidence, the clinical significance of this variant remains unclear.